The following is an entry in ClinVar:

ClinVar aggregate classification (germline): Likely benign. Review status: criteria provided, multiple submitters, no conflicts (2 of 4 stars). 4 submissions from 4 submitters: Likely benign (3). 1 of the submissions does not count toward it. Last evaluated 2026-01-14.

Conditions:
Niemann-Pick disease, type A. Also called: SPHINGOMYELIN LIPIDOSIS; SPHINGOMYELINASE DEFICIENCY; Infantile Neurovisceral ASMD (Niemann-Pick Disease Type A; NPD-A). Identifiers: Orphanet 77292, MedGen C0268242, MONDO:0009756, OMIM 257200. Disease mechanism: loss of function.
SMPD1-related disorder. Also called: SMPD1-related condition.
Inborn genetic diseases. Identifiers: MedGen C0950123, MeSH D030342.
Niemann-Pick disease, type B. Also called: Chronic Visceral ASMD (Niemann-Pick Disease Type B; NPD-B). Identifiers: Orphanet 77293, MedGen C0268243, MONDO:0011871, OMIM 607616. Disease mechanism: loss of function.

Allele frequency attached by ClinVar (database versions not stated): gnomAD 0.00001; gnomAD exomes 0.00001 and 0.00002; ExAC 0.00002; TOPMed 0.00003; ESP Exome Variant Server 0.00008.
gnomAD v4.1: 26 of 1,613,698 alleles (0.0016%); highest among the groups gnomAD compares: Non-Finnish European, 0.0022%; no homozygotes.

Submissions (4):

Labcorp Genetics (formerly Invitae), Labcorp
Classification: Likely benign for Niemann-Pick disease, type B; Niemann-Pick disease, type A. Last evaluated: 2026-01-14. Review status: criteria provided, single submitter. Criteria: Invitae Variant Classification Sherloc (09022015). Collection method: clinical testing. Allele origin: germline.

PreventionGenetics, part of Exact Sciences
Classification: Likely benign for SMPD1-related condition. Last evaluated: 2025-06-12. Review status: criteria provided, single submitter. Criteria: ACMG Guidelines, 2015. Collection method: clinical testing. Allele origin: germline.
Comment: This variant is classified as likely benign based on ACMG/AMP sequence variant interpretation guidelines (Richards et al. 2015 PMID: 25741868, with internal and published modifications).

Ambry Genetics
Classification: Likely benign for Inborn genetic diseases. Last evaluated: 2022-07-29. Review status: criteria provided, single submitter. Criteria: Ambry Variant Classification Scheme 2023. Collection method: clinical testing. Allele origin: germline.

Natera, Inc.
Classification: Likely benign for Niemann-Pick Disease, Types A/B. Last evaluated: 2021-01-28. Review status: no assertion criteria provided. Collection method: clinical testing. Allele origin: germline. Not counted in ClinVar's aggregate classification.

NM_000543.5(SMPD1):c.390T>G (p.Pro130=)

Gene: SMPD1 (sphingomyelin phosphodiesterase 1; plus strand). Cytogenetic location: 11p15.4.
Variant type: single nucleotide variant.
Coding change: c.390T>G on transcript NM_000543.5 (MANE Select); coding-DNA position 390, T replaced by G.
Protein change: p.Pro130=; no amino-acid change (proline 130 retained).
Molecular consequence: synonymous variant. On other transcripts: 5 prime UTR variant (1), non-coding transcript variant (2).
Genome position (GRCh38, 1-based): chr11:6,391,455, T>G. VCF-style: chr11-6391455-T-G. GRCh37 (hg19) VCF-style: chr11-6412685-T-G.
Other names: c.387T>G, p.Pro129= (NM_001007593.3); c.390T>G, p.Pro130= (NM_001318087.2, NM_001365135.2); c.-572T>G (NM_001318088.2).
Identifiers: ClinVar variation 756444 (VCV000756444.15), dbSNP rs371141815, ClinGen allele CA5852590.